The following is an entry in ClinVar:

ClinVar aggregate classification (germline): Conflicting classifications of pathogenicity. Review status: criteria provided, conflicting classifications (1 of 4 stars). 4 submissions from 3 submitters: Uncertain significance (3); Likely benign (1). Last evaluated 2023-07-07.

Conditions:
Adams-Oliver syndrome 5 (AOS5). Identifiers: Orphanet 974, MedGen C4014970, MONDO:0014459, OMIM 616028.
Familial thoracic aortic aneurysm and aortic dissection (TAAD). Also called: Thoracic aortic aneurysms and dissections. Identifiers: Orphanet 91387, MedGen C4707243, MONDO:0019625.
Aortic valve disease 1 (AOVD1). Identifiers: MedGen C3887892, MONDO:0024523, OMIM 109730.

Allele frequency attached by ClinVar (database versions not stated): gnomAD exomes below 0.00001; TOPMed below 0.00001; gnomAD 0.00001.
gnomAD v4.1: 8 of 1,612,854 alleles (0.0005%); highest among the groups gnomAD compares: African/African-American, 0.0027%; no homozygotes.

Submissions (4):

Labcorp Genetics (formerly Invitae), Labcorp
Classification: Likely benign for Adams-Oliver syndrome 5. Last evaluated: 2023-07-07. Review status: criteria provided, single submitter. Criteria: Invitae Variant Classification Sherloc (09022015). Collection method: clinical testing. Allele origin: germline.

Ambry Genetics
Classification: Uncertain significance for Familial thoracic aortic aneurysm and aortic dissection. Last evaluated: 2022-08-16. Review status: criteria provided, single submitter. Criteria: Ambry Variant Classification Scheme 2023. Collection method: clinical testing. Allele origin: germline.
Comment: The p.D1698N variant (also known as c.5092G>A), located in coding exon 27 of the NOTCH1 gene, results from a G to A substitution at nucleotide position 5092. The aspartic acid at codon 1698 is replaced by asparagine, an amino acid with highly similar properties. This variant was not reported in population based cohorts in the following databases: Database of Single Nucleotide Polymorphisms (dbSNP), NHLBI Exome Sequencing Project (ESP), and 1000 Genomes Project. In the ESP, this variant was not observed in 6395 samples (12790 alleles) with coverage at this position. This amino acid position is highly conserved in available vertebrate species. In addition, this alteration is predicted to be tolerated by in silico analysis. Since supporting evidence is limited at this time, the clinical significance of this alteration remains unclear.

Genome-Nilou Lab
Classification: Uncertain significance for Adams-Oliver syndrome 5. Last evaluated: 2022-03-15. Review status: criteria provided, single submitter. Criteria: ACMG Guidelines, 2015. Collection method: clinical testing. Allele origin: germline. Affected: no.

Genome-Nilou Lab
Classification: Uncertain significance for Aortic valve disease 1. Last evaluated: 2022-03-15. Review status: criteria provided, single submitter. Criteria: ACMG Guidelines, 2015. Collection method: clinical testing. Allele origin: germline. Affected: no.

NM_017617.5(NOTCH1):c.5092G>A (p.Asp1698Asn)

Gene: NOTCH1 (notch receptor 1; minus strand). Cytogenetic location: 9q34.3.
Variant type: single nucleotide variant.
Coding change: c.5092G>A on transcript NM_017617.5 (MANE Select); coding-DNA position 5092, G replaced by A.
Protein change: p.Asp1698Asn; replaces aspartic acid 1698 with asparagine.
Molecular consequence: missense variant.
Genome position (GRCh38, 1-based): chr9:136,503,257, C>T on the plus strand (G>A on the coding strand, the complement: NOTCH1 is on the minus strand). VCF-style: chr9-136503257-C-T. GRCh37 (hg19) VCF-style: chr9-139397709-C-T.
Other names: c.5092G>A, p.Asp1698Asn (LRG_1122t1); short protein forms D1698N.
Identifiers: ClinVar variation 520046 (VCV000520046.15), dbSNP rs1417478070, ClinGen allele CA375642218.
Genomic context (GRCh38, chr9:136,503,257, plus strand): 5'-TCTTGTAGGGGATGTTGAGGCTGCCCAGCGAGGCGAGCGCTCCCAGGAATGCGGCCACGT[C>T]GGTGGCACTCTGGAAGCACTGCGAGGAGGCCTGCACACACTGCCGGTTGTCAATCTCCAG-3'
Protein context (NP_060087.3, residues 1688-1708): ASSQCFQSAT[Asp1698Asn]VAAFLGALAS